The following is an entry in ClinVar:

ClinVar aggregate classification (germline): Uncertain significance (1 of 4 stars; one submission).

Conditions:
Cardiovascular phenotype. Identifiers: MedGen CN230736.

Allele frequency attached by ClinVar (database versions not stated): gnomAD exomes below 0.00001; TOPMed below 0.00001; ESP Exome Variant Server 0.00008.
gnomAD v4.1: 1 of 1,558,864 alleles (0.000064%); highest among the groups gnomAD compares: Non-Finnish European, 0.000087%; no homozygotes.

Submission:

Ambry Genetics
Classification: Uncertain significance for Cardiovascular phenotype. Last evaluated: 2023-07-18. Review status: criteria provided, single submitter. Criteria: Ambry Variant Classification Scheme 2023. Collection method: clinical testing. Allele origin: germline.
Comment: The c.683-2A>C intronic variant results from an A to C substitution two nucleotides upstream from coding exon 10 in the TXNRD2 gene. This nucleotide position is highly conserved in available vertebrate species. In silico splice site analysis for this alteration is inconclusive. Alterations that disrupt the canonical splice site are expected to cause aberrant splicing, resulting in an abnormal protein or a transcript that is subject to nonsense-mediated mRNA decay. However, loss of function of TXNRD2 has not been established as a mechanism of disease. The evidence for this gene-disease relationship is limited; therefore, the clinical significance of this alteration is unclear.

NM_006440.5(TXNRD2):c.683-2A>C

Gene: TXNRD2 (thioredoxin reductase 2; minus strand). Cytogenetic location: 22q11.21.
Variant type: single nucleotide variant.
Coding change: c.683-2A>C on transcript NM_006440.5 (MANE Select); the canonical splice acceptor site of the intron before coding-DNA position 683, A replaced by C.
Molecular consequence: splice acceptor variant.
Genome position (GRCh38, 1-based): chr22:19,898,132, T>G on the plus strand (A>C on the coding strand, the complement: TXNRD2 is on the minus strand). VCF-style: chr22-19898132-T-G. GRCh37 (hg19) VCF-style: chr22-19885655-T-G.
Other names: c.680-2A>C (NM_001352300.2); c.395-2A>C (NM_001352302.2); c.593-2A>C (NM_001352301.2); c.683-2A>C (NM_001282512.3); c.587-2A>C (NM_001352303.2).
Identifiers: ClinVar variation 1755693 (VCV001755693.3), dbSNP rs369960227, ClinGen allele CA322099885.